The following is an entry in ClinVar:

NM_001035.3(RYR2):c.1056T>C (p.Ser352=)

Gene: RYR2 (ryanodine receptor 2; plus strand). Cytogenetic location: 1q43.
Variant type: single nucleotide variant.
Coding change: c.1056T>C on transcript NM_001035.3 (MANE Select); coding-DNA position 1056, T replaced by C.
Protein change: p.Ser352=; no amino-acid change (serine 352 retained).
Molecular consequence: synonymous variant.
Genome position (GRCh38, 1-based): chr1:237,441,369, T>C. VCF-style: chr1-237441369-T-C. GRCh37 (hg19) VCF-style: chr1-237604669-T-C.
Identifiers: ClinVar variation 227906 (VCV000227906.5), dbSNP rs876657573, ClinGen allele CA10576398.

ClinVar aggregate classification (germline): Likely benign (1 of 4 stars; one submission).

Submission:

Laboratory for Molecular Medicine, Mass General Brigham Personalized Medicine
Classification: Likely benign. Last evaluated: 2014-12-31. Review status: criteria provided, single submitter. Criteria: LMM Criteria. Collection method: clinical testing. Allele origin: germline. Observed: 1 variant allele.
Comment: p.Ser352Ser in exon 13 of RYR2: This variant is not expected to have clinical si gnificance because it does not alter an amino acid residue and is not located wi thin the splice consensus sequence.